The following is an entry in ClinVar:

NM_145331.3(MAP3K7):c.1751A>G (p.Tyr584Cys)

Gene: MAP3K7 (mitogen-activated protein kinase kinase kinase 7; minus strand). Cytogenetic location: 6q15.
Variant type: single nucleotide variant.
Coding change: c.1751A>G on transcript NM_145331.3 (MANE Select); coding-DNA position 1751, A replaced by G.
Protein change: p.Tyr584Cys; replaces tyrosine 584 with cysteine.
Molecular consequence: missense variant. On other transcripts: 3 prime UTR variant (2).
Genome position (GRCh38, 1-based): chr6:90,516,571, T>C on the plus strand (A>G on the coding strand, the complement: MAP3K7 is on the minus strand). VCF-style: chr6-90516571-T-C. GRCh37 (hg19) VCF-style: chr6-91226290-T-C.
Other names: c.1670A>G, p.Tyr557Cys (NM_003188.4); c.*78A>G (NM_145332.3, NM_145333.3); short protein forms Y584C, Y557C.
Identifiers: ClinVar variation 5010113 (VCV005010113.1).

ClinVar aggregate classification (germline): Uncertain significance (1 of 4 stars; one submission).

Submission:

GeneDx
Classification: Uncertain significance. Last evaluated: 2026-02-24. Review status: criteria provided, single submitter. Criteria: GeneDx Variant Classification Process June 2021. Collection method: clinical testing. Allele origin: germline.
Comment: Not observed at significant frequency in large population cohorts (gnomAD); In silico analysis suggests that this missense variant does not alter protein structure/function; Has not been previously published as pathogenic or benign to our knowledge